The following is an entry in ClinVar:

NM_000321.3(RB1):c.2587G>A (p.Ala863Thr)

Gene: RB1 (RB transcriptional corepressor 1; plus strand). Cytogenetic location: 13q14.2.
Variant type: single nucleotide variant.
Coding change: c.2587G>A on transcript NM_000321.3 (MANE Select); coding-DNA position 2587, G replaced by A.
Protein change: p.Ala863Thr; replaces alanine 863 with threonine.
Molecular consequence: missense variant.
Genome position (GRCh38, 1-based): chr13:48,476,767, G>A. VCF-style: chr13-48476767-G-A. GRCh37 (hg19) VCF-style: chr13-49050903-G-A.
Other names: short protein forms A863T.
Identifiers: ClinVar variation 960039 (VCV000960039.11), dbSNP rs1949506505, ClinGen allele CA388157355.
Genomic context (GRCh38, chr13:48,476,767, plus strand): 5'-GAGAAGTTCCAGAAAATAAATCAGATGGTATGTAACAGCGACCGTGTGCTCAAAAGAAGT[G>A]CTGAAGGAAGCAACCCTCCTAAACCACTGAAAAAACTACGCTTTGATATTGAAGGATCAG-3'
Protein context (NP_000312.2, residues 853-873): CNSDRVLKRS[Ala863Thr]EGSNPPKPLK

ClinVar aggregate classification (germline): Uncertain significance. Review status: criteria provided, multiple submitters, no conflicts (2 of 4 stars). 2 submissions from 2 submitters: Uncertain significance (2). Last evaluated 2024-03-18.

Conditions:
Hereditary cancer-predisposing syndrome. Also called: Tumor predisposition; Hereditary neoplastic syndrome; Neoplastic Syndromes, Hereditary; Hereditary Cancer Syndrome. Identifiers: Orphanet 140162, MedGen C0027672, MeSH D009386, MONDO:0015356.
Retinoblastoma (RB1). Also called: RETINOBLASTOMA, SOMATIC. Identifiers: Orphanet 790, MedGen C0035335, MeSH D012175, MONDO:0008380, OMIM 180200, HP:0009919. Disease mechanism: loss of function. Inheritance: Both sporadic and heritable forms are tested..

Allele frequency attached by ClinVar (database versions not stated): gnomAD exomes below 0.00001.
gnomAD v4.1: 1 of 1,613,658 alleles (0.000062%); highest among the groups gnomAD compares: Non-Finnish European, 0.000085%; no homozygotes.

Submissions (2):

Ambry Genetics
Classification: Uncertain significance for Hereditary cancer-predisposing syndrome. Last evaluated: 2024-03-18. Review status: criteria provided, single submitter. Criteria: Ambry Variant Classification Scheme 2023. Collection method: clinical testing. Allele origin: germline.
Comment: The p.A863T variant (also known as c.2587G>A), located in coding exon 25 of the RB1 gene, results from a G to A substitution at nucleotide position 2587. The alanine at codon 863 is replaced by threonine, an amino acid with similar properties. This amino acid position is highly conserved in available vertebrate species. In addition, the in silico prediction for this alteration is inconclusive. Since supporting evidence is limited at this time, the clinical significance of this alteration remains unclear.

Labcorp Genetics (formerly Invitae), Labcorp
Classification: Uncertain significance for Retinoblastoma. Last evaluated: 2024-02-29. Review status: criteria provided, single submitter. Criteria: Invitae Variant Classification Sherloc (09022015). Collection method: clinical testing. Allele origin: germline.
Comment: This sequence change replaces alanine, which is neutral and non-polar, with threonine, which is neutral and polar, at codon 863 of the RB1 protein (p.Ala863Thr). This variant is not present in population databases (gnomAD no frequency). This variant has not been reported in the literature in individuals affected with RB1-related conditions. ClinVar contains an entry for this variant (Variation ID: 960039). Advanced modeling of protein sequence and biophysical properties (such as structural, functional, and spatial information, amino acid conservation, physicochemical variation, residue mobility, and thermodynamic stability) has been performed at Invitae for this missense variant, however the output from this modeling did not meet the statistical confidence thresholds required to predict the impact of this variant on RB1 protein function. In summary, the available evidence is currently insufficient to determine the role of this variant in disease. Therefore, it has been classified as a Variant of Uncertain Significance.